The following is an entry in ClinVar:

NM_000130.5(F5):c.2988T>G (p.Ser996Arg)

Gene: F5 (coagulation factor V; minus strand). Cytogenetic location: 1q24.2.
Variant type: single nucleotide variant.
Coding change: c.2988T>G on transcript NM_000130.5 (MANE Select); coding-DNA position 2988, T replaced by G.
Protein change: p.Ser996Arg; replaces serine 996 with arginine.
Molecular consequence: missense variant.
Genome position (GRCh38, 1-based): chr1:169,542,102, A>C on the plus strand (T>G on the coding strand, the complement: F5 is on the minus strand). VCF-style: chr1-169542102-A-C. GRCh37 (hg19) VCF-style: chr1-169511340-A-C.
Other names: short protein forms S996R.
Identifiers: ClinVar variation 3250781 (VCV003250781.20), dbSNP rs760204061.
Genomic context (GRCh38, chr1:169,542,102, plus strand): 5'-TCCTCCATCCTGTCTTACTTGTAGAGATTTATGTCTAACTCTAGGAAACTTTGGGTGGCC[A>C]CTCTGCTTTCCAGGCTTGTTGGCAAGAGGGGTGCTTTCTCCCCAAGCACGTGAGGCATTC-3'
Protein context (NP_000121.2, residues 986-1006): TPLANKPGKQ[Ser996Arg]GHPKFPRVRH

ClinVar aggregate classification (germline): Conflicting classifications of pathogenicity. Review status: criteria provided, conflicting classifications (1 of 4 stars). 3 submissions from 3 submitters: Uncertain significance (2); Likely benign (1). Last evaluated 2025-12-16.

Conditions:
Inborn genetic diseases. Identifiers: MedGen C0950123, MeSH D030342.
Congenital factor V deficiency. Also called: LABILE FACTOR DEFICIENCY; OWREN PARAHEMOPHILIA; PARAHEMOPHILIA; Hereditary factor V deficiency disease. Identifiers: Orphanet 326, MedGen C0015499, MONDO:0009210, OMIM 227400.

Allele frequency attached by ClinVar (database versions not stated): ExAC 0.00004; gnomAD 0.00004; TOPMed 0.00005.
gnomAD v4.1: 40 of 1,613,710 alleles (0.0025%); highest among the groups gnomAD compares: Non-Finnish European, 0.003%; no homozygotes.

Submissions (3):

Labcorp Genetics (formerly Invitae), Labcorp
Classification: Uncertain significance for Congenital factor V deficiency. Last evaluated: 2025-12-16. Review status: criteria provided, single submitter. Criteria: Invitae Variant Classification Sherloc (09022015). Collection method: clinical testing. Allele origin: germline.
Comment: This sequence change replaces serine, which is neutral and polar, with arginine, which is basic and polar, at codon 996 of the F5 protein (p.Ser996Arg). This variant is present in population databases (rs760204061, gnomAD 0.02%). This variant has not been reported in the literature in individuals affected with F5-related conditions. ClinVar contains an entry for this variant (Variation ID: 3250781). Invitae Evidence Modeling of protein sequence and biophysical properties (such as structural, functional, and spatial information, amino acid conservation, physicochemical variation, residue mobility, and thermodynamic stability) indicates that this missense variant is not expected to disrupt F5 protein function with a negative predictive value of 80%. In summary, the available evidence is currently insufficient to determine the role of this variant in disease. Therefore, it has been classified as a Variant of Uncertain Significance.

Ambry Genetics
Classification: Uncertain significance for Inborn genetic diseases. Last evaluated: 2025-03-27. Review status: criteria provided, single submitter. Criteria: Ambry Variant Classification Scheme 2023. Collection method: clinical testing. Allele origin: germline.

CeGaT Center for Human Genetics Tuebingen
Classification: Likely benign. Last evaluated: 2024-06-01. Review status: criteria provided, single submitter. Criteria: CeGaT Center For Human Genetics Tuebingen Variant Classification Criteria Version 2. Collection method: clinical testing. Allele origin: germline. Affected: yes. Observed: 1 variant allele.
Comment: F5: BP4